The following is an entry in ClinVar:

ClinVar aggregate classification (germline): Uncertain significance (1 of 4 stars; one submission).

gnomAD v4.1: 4 of 1,614,164 alleles (0.00025%); highest among the groups gnomAD compares: Non-Finnish European, 0.00034%; no homozygotes.

Submission:

Ambry Genetics
Classification: Uncertain significance. Last evaluated: 2026-07-18. Review status: criteria provided, single submitter. Criteria: Ambry Variant Classification Scheme 2023. Collection method: clinical testing. Allele origin: germline.
Comment: The p.E87K variant (also known as c.259G>A), located in coding exon 2 of the GFI1 gene, results from a G to A substitution at nucleotide position 259. The glutamic acid at codon 87 is replaced by lysine, an amino acid with similar properties. This amino acid position is conserved. In addition, this alteration is predicted to be tolerated by in silico analysis. Based on the available evidence, the clinical significance of this variant remains unclear.

NM_005263.5(GFI1):c.259G>A (p.Glu87Lys)

Gene: GFI1 (growth factor independent 1 transcriptional repressor; minus strand). Cytogenetic location: 1p22.1.
Variant type: single nucleotide variant.
Coding change: c.259G>A on transcript NM_005263.5 (MANE Select); coding-DNA position 259, G replaced by A.
Protein change: p.Glu87Lys; replaces glutamic acid 87 with lysine.
Molecular consequence: missense variant.
Genome position (GRCh38, 1-based): chr1:92,482,903, C>T on the plus strand (G>A on the coding strand, the complement: GFI1 is on the minus strand). VCF-style: chr1-92482903-C-T. GRCh37 (hg19) VCF-style: chr1-92948460-C-T.
Other names: c.259G>A, p.Glu87Lys (NM_001127215.3, NM_001127216.3); short protein forms E87K.
Identifiers: ClinVar variation 5022381 (VCV005022381.1).